The following is an entry in ClinVar:

NM_001160148.2(DDHD1):c.702_708del (p.Cys235fs)

Gene: DDHD1 (DDHD domain containing 1; minus strand). Cytogenetic location: 14q22.1.
Variant type: Deletion.
Coding change: c.702_708del on transcript NM_001160148.2 (MANE Select); coding-DNA positions 702 to 708, 7 bases deleted (CTGCGGC; older notation c.702_708delCTGCGGC).
Protein change: p.Cys235fs; shifts the reading frame from cysteine 235.
Molecular consequence: frameshift variant.
Genome position (GRCh38, 1-based): chr14:53,152,391-53,152,397, GCCGCAG deleted on the plus strand (CTGCGGC on the coding strand, the reverse complement: DDHD1 is on the minus strand); deleting any 7 consecutive bases within chr14:53,152,391-53,152,399 gives the same sequence; the c. name uses the placement nearest the transcript's 3' end. VCF-style (leftmost placement, unchanged base first): chr14-53152390-AGCCGCAG-A. GRCh37 (hg19) VCF-style: chr14-53619108-AGCCGCAG-A.
Other names: c.702_708del, p.Cys235fs (NM_001160147.2, NM_030637.3); short protein forms C235fs.
Identifiers: ClinVar variation 3721963 (VCV003721963.2).

ClinVar aggregate classification (germline): Pathogenic (1 of 4 stars; one submission).

Conditions:
Hereditary spastic paraplegia 28. Also called: Spastic paraplegia 28, autosomal recessive. Identifiers: Orphanet 101008, MedGen C1836295, MONDO:0012256, OMIM 609340.

Submission:

Labcorp Genetics (formerly Invitae), Labcorp
Classification: Pathogenic for Hereditary spastic paraplegia 28. Last evaluated: 2024-10-01. Review status: criteria provided, single submitter. Criteria: Invitae Variant Classification Sherloc (09022015). Collection method: clinical testing. Allele origin: germline.
Comment: This sequence change creates a premature translational stop signal (p.Cys235Serfs*16) in the DDHD1 gene. It is expected to result in an absent or disrupted protein product. Loss-of-function variants in DDHD1 are known to be pathogenic (PMID: 23176821, 24989667, 26944165, 27216551). This variant is not present in population databases (gnomAD no frequency). This variant has not been reported in the literature in individuals affected with DDHD1-related conditions. For these reasons, this variant has been classified as Pathogenic.

Literature cited by the submitters: PubMed 23176821; PubMed 24989667; PubMed 26944165; PubMed 27216551.